The following is an entry in ClinVar:

ClinVar aggregate classification (germline): Likely benign (0 of 4 stars; one submission).

Conditions:
FSIP2-related disorder. Also called: FSIP2-related condition.

Allele frequency attached by ClinVar (database versions not stated): gnomAD exomes 0.00005; TOPMed 0.00006; ExAC 0.00007; gnomAD 0.00007.
gnomAD v4.1: 87 of 1,533,192 alleles (0.0057%); highest among the groups gnomAD compares: East Asian, 0.012%; no homozygotes.

Submission:

PreventionGenetics, part of Exact Sciences
Classification: Likely benign for FSIP2-related condition. Last evaluated: 2019-12-23. Review status: no assertion criteria provided. Collection method: clinical testing. Allele origin: germline.
Comment: This variant is classified as likely benign based on ACMG/AMP sequence variant interpretation guidelines (Richards et al. 2015 PMID: 25741868, with internal and published modifications).

NM_173651.4(FSIP2):c.14058A>G (p.Leu4686=)

Gene: FSIP2 (fibrous sheath interacting protein 2; plus strand). Cytogenetic location: 2q32.1.
Variant type: single nucleotide variant.
Coding change: c.14058A>G on transcript NM_173651.4 (MANE Select); coding-DNA position 14058, A replaced by G.
Protein change: p.Leu4686=; no amino-acid change (leucine 4686 retained).
Molecular consequence: synonymous variant.
Genome position (GRCh38, 1-based): chr2:185,803,364, A>G. VCF-style: chr2-185803364-A-G. GRCh37 (hg19) VCF-style: chr2-186668091-A-G.
Identifiers: ClinVar variation 3041868 (VCV003041868.2), dbSNP rs747118516, ClinGen allele CA2017060.